The following is an entry in ClinVar:

NM_001351132.2(PEX5):c.1707C>T (p.Leu569=)

Gene: PEX5 (peroxisomal biogenesis factor 5; plus strand). Cytogenetic location: 12p13.31.
Variant type: single nucleotide variant.
Coding change: c.1707C>T on transcript NM_001351132.2 (MANE Select); coding-DNA position 1707, C replaced by T.
Protein change: p.Leu569=; no amino-acid change (leucine 569 retained).
Molecular consequence: synonymous variant.
Genome position (GRCh38, 1-based): chr12:7,209,829, C>T. VCF-style: chr12-7209829-C-T. GRCh37 (hg19) VCF-style: chr12-7362425-C-T.
Other names: c.1770C>T (NM_001300789.1); c.1683C>T, p.Leu561= (NM_000319.5); c.1752C>T, p.Leu584= (NM_001131023.2); c.1596C>T, p.Leu532= (NM_001131024.2, NM_001351124.3, NM_001351126.2 and 7 more transcripts); c.1707C>T, p.Leu569= (NM_001131025.2, NM_001131026.2, NM_001300789.3 and 4 more transcripts); c.1641C>T, p.Leu547= (NM_001351135.3, NM_001351138.2); c.1698C>T, p.Leu566= (NM_001351136.2); c.1572C>T, p.Leu524= (NM_001351139.2, NM_001351140.2, NM_001374649.2).
Identifiers: ClinVar variation 287034 (VCV000287034.22), dbSNP rs151312595, ClinGen allele CA6426550.

ClinVar aggregate classification (germline): Conflicting classifications of pathogenicity. Review status: criteria provided, conflicting classifications (1 of 4 stars). 5 submissions from 5 submitters: Uncertain significance (2); Likely benign (2). 1 of the submissions does not count toward it. Last evaluated 2026-01-26.

Conditions:
PEX5-related disorder. Also called: PEX5-related condition; PEX5-Related Disorders.
Peroxisome biogenesis disorder 2B (PBD2B). Identifiers: Orphanet 44, MedGen C3550234, MONDO:0008736, OMIM 202370.
Peroxisome biogenesis disorder 2A (Zellweger) (PBD2A). Also called: Cerebrohepatorenal syndrome, variant types. Identifiers: Orphanet 912, MedGen C3550273, MONDO:0008954, OMIM 214110.

Allele frequency attached by ClinVar (database versions not stated): gnomAD exomes 0.00011 and 0.00013; ExAC 0.00018; 1000 Genomes Project 30x 0.00031; gnomAD 0.00031 and 0.00035; ESP Exome Variant Server 0.00038; 1000 Genomes Project 0.00040; TOPMed 0.00041.
gnomAD v4.1: 203 of 1,614,184 alleles (0.013%); highest among the groups gnomAD compares: African/African-American, 0.068%; no homozygotes.

Submissions (5):

Labcorp Genetics (formerly Invitae), Labcorp
Classification: Likely benign for Peroxisome biogenesis disorder 2B. Last evaluated: 2026-01-26. Review status: criteria provided, single submitter. Criteria: Invitae Variant Classification Sherloc (09022015). Collection method: clinical testing. Allele origin: germline.

Blueprint Genetics
Classification: Likely benign. Last evaluated: 2024-09-03. Review status: criteria provided, single submitter. Criteria: ACMG Guidelines, 2015. Collection method: clinical testing. Allele origin: germline.

Illumina Laboratory Services, Illumina
Classification: Uncertain significance for Peroxisome biogenesis disorder 2A (Zellweger). Last evaluated: 2018-01-13. Review status: criteria provided, single submitter. Criteria: ICSL Variant Classification Criteria 13 December 2019. Collection method: clinical testing. Allele origin: germline.

Eurofins Ntd Llc (ga)
Classification: Uncertain significance. Last evaluated: 2016-03-21. Review status: criteria provided, single submitter. Criteria: EGL Classification Definitions 2015. Collection method: clinical testing. Allele origin: germline. Observed: 1 variant allele, 1 heterozygote.

PreventionGenetics, part of Exact Sciences
Classification: Likely benign for PEX5-related condition. Last evaluated: 2020-01-17. Review status: no assertion criteria provided. Collection method: clinical testing. Allele origin: germline. Not counted in ClinVar's aggregate classification.
Comment: This variant is classified as likely benign based on ACMG/AMP sequence variant interpretation guidelines (Richards et al. 2015 PMID: 25741868, with internal and published modifications).